The following is an entry in ClinVar:

NM_000135.4(FANCA):c.3312A>G (p.Arg1104=)

Gene: FANCA (FA complementation group A; minus strand). Cytogenetic location: 16q24.3.
Variant type: single nucleotide variant.
Coding change: c.3312A>G on transcript NM_000135.4 (MANE Select); coding-DNA position 3312, A replaced by G.
Protein change: p.Arg1104=; no amino-acid change (arginine 1104 retained).
Molecular consequence: synonymous variant.
Genome position (GRCh38, 1-based): chr16:89,748,695, T>C on the plus strand (A>G on the coding strand, the complement: FANCA is on the minus strand). VCF-style: chr16-89748695-T-C. GRCh37 (hg19) VCF-style: chr16-89815103-T-C.
Other names: c.3312A>G, p.Arg1104= (NM_001286167.3).
Identifiers: ClinVar variation 1026782 (VCV001026782.6), dbSNP rs1598074599, ClinGen allele CA497195752.
Genomic context (GRCh38, chr16:89,748,695, plus strand): 5'-GACACGTGCACACGGGGCACCTACCATCTCAGAGTTGACCAAGTGGAAGAACTGCTCGCA[T>C]CTGGCAGTGATGGGCTGTTCTGCCTGGAAGCTGCTGCCGCAGAGGACAGACGAAGGCAGG-3'
Protein context (NP_000126.2, residues 1094-1114): SFQAEQPITA[Arg1104=]CEQFFHLVNS

ClinVar aggregate classification (germline): Uncertain significance (1 of 4 stars; one submission).

Conditions:
Fanconi anemia (FA). Also called: Fanconi's anemia. Identifiers: Orphanet 84, MedGen C0015625, MeSH D005199, MONDO:0019391.

Submission:

Labcorp Genetics (formerly Invitae), Labcorp
Classification: Uncertain significance for Fanconi anemia. Last evaluated: 2021-08-31. Review status: criteria provided, single submitter. Criteria: Invitae Variant Classification Sherloc (09022015). Collection method: clinical testing. Allele origin: germline.
Comment: This sequence change affects codon 1104 of the FANCA mRNA. It is a 'silent' change, meaning that it does not change the encoded amino acid sequence of the FANCA protein. This variant is not present in population databases (ExAC no frequency). This variant has not been reported in the literature in individuals affected with FANCA-related conditions. Algorithms developed to predict the effect of sequence changes on RNA splicing suggest that this variant may create or strengthen a splice site. In summary, the available evidence is currently insufficient to determine the role of this variant in disease. Therefore, it has been classified as a Variant of Uncertain Significance.